The following is an entry in ClinVar:

NM_001376.5(DYNC1H1):c.1911C>T (p.His637=)

Gene: DYNC1H1 (dynein cytoplasmic 1 heavy chain 1; plus strand). Cytogenetic location: 14q32.31.
Variant type: single nucleotide variant.
Coding change: c.1911C>T on transcript NM_001376.5 (MANE Select); coding-DNA position 1911, C replaced by T.
Protein change: p.His637=; no amino-acid change (histidine 637 retained).
Molecular consequence: synonymous variant.
Genome position (GRCh38, 1-based): chr14:101,986,136, C>T. VCF-style: chr14-101986136-C-T. GRCh37 (hg19) VCF-style: chr14-102452473-C-T.
Identifiers: ClinVar variation 472523 (VCV000472523.13), dbSNP rs376398498, ClinGen allele CA7351748.

ClinVar aggregate classification (germline): Likely benign. Review status: criteria provided, single submitter (1 of 4 stars). 2 submissions from 2 submitters: Likely benign (1). 1 of the submissions does not count toward it. Last evaluated 2025-09-17.

Conditions:
DYNC1H1-related disorder. Also called: DYNC1H1-related condition; DYNC1H1-related disorders. Identifiers: MedGen CN381529.
Charcot-Marie-Tooth disease axonal type 2O. Also called: CHARCOT-MARIE-TOOTH NEUROPATHY, AXONAL, TYPE 2O; CHARCOT-MARIE-TOOTH DISEASE, AXONAL, AUTOSOMAL DOMINANT, TYPE 2O; Charcot-Marie-Tooth Neuropathy Type 2O; Charcot-Marie-Tooth disease, axonal, type 20. Identifiers: Orphanet 284232, MedGen C3280220, MONDO:0013644, OMIM 614228.

Allele frequency attached by ClinVar (database versions not stated): gnomAD 0.00003 and 0.00004; TOPMed 0.00004; ExAC 0.00002; gnomAD exomes 0.00002 and 0.00005; ESP Exome Variant Server 0.00023.
gnomAD v4.1: 83 of 1,614,094 alleles (0.0051%); highest among the groups gnomAD compares: Non-Finnish European, 0.0066%; no homozygotes.

Submissions (2):

Labcorp Genetics (formerly Invitae), Labcorp
Classification: Likely benign for Charcot-Marie-Tooth disease axonal type 2O. Last evaluated: 2025-09-17. Review status: criteria provided, single submitter. Criteria: Invitae Variant Classification Sherloc (09022015). Collection method: clinical testing. Allele origin: germline.

PreventionGenetics, part of Exact Sciences
Classification: Likely benign for DYNC1H1-related condition. Last evaluated: 2019-09-20. Review status: no assertion criteria provided. Collection method: clinical testing. Allele origin: germline. Not counted in ClinVar's aggregate classification.
Comment: This variant is classified as likely benign based on ACMG/AMP sequence variant interpretation guidelines (Richards et al. 2015 PMID: 25741868, with internal and published modifications).